The following is an entry in ClinVar:

ClinVar aggregate classification (germline): Uncertain significance. Review status: criteria provided, multiple submitters, no conflicts (2 of 4 stars). 2 submissions from 2 submitters: Uncertain significance (2). Last evaluated 2025-01-21.

Conditions:
Hereditary cancer-predisposing syndrome. Also called: Hereditary neoplastic syndrome; Tumor predisposition; Neoplastic Syndromes, Hereditary; Hereditary Cancer Syndrome. Identifiers: Orphanet 140162, MedGen C0027672, MeSH D009386, MONDO:0015356.

Submissions (2):

Labcorp Genetics (formerly Invitae), Labcorp
Classification: Uncertain significance. Last evaluated: 2025-01-21. Review status: criteria provided, single submitter. Criteria: Invitae Variant Classification Sherloc (09022015). Collection method: clinical testing. Allele origin: germline.
Comment: This sequence change replaces asparagine, which is neutral and polar, with aspartic acid, which is acidic and polar, at codon 354 of the CTNNA1 protein (p.Asn354Asp). This variant is not present in population databases (gnomAD no frequency). This variant has not been reported in the literature in individuals affected with CTNNA1-related conditions. ClinVar contains an entry for this variant (Variation ID: 1504714). An algorithm developed to predict the effect of missense changes on protein structure and function (PolyPhen-2) suggests that this variant is likely to be disruptive. In summary, the available evidence is currently insufficient to determine the role of this variant in disease. Therefore, it has been classified as a Variant of Uncertain Significance.

Ambry Genetics
Classification: Uncertain significance for Hereditary cancer-predisposing syndrome. Last evaluated: 2024-09-17. Review status: criteria provided, single submitter. Criteria: Ambry Variant Classification Scheme 2023. Collection method: clinical testing. Allele origin: germline.
Comment: The p.N354D variant (also known as c.1060A>G), located in coding exon 6 of the CTNNA1 gene, results from an A to G substitution at nucleotide position 1060. The asparagine at codon 354 is replaced by aspartic acid, an amino acid with highly similar properties. This amino acid position is highly conserved in available vertebrate species. In addition, this alteration is predicted to be tolerated by in silico analysis. Based on the available evidence, the clinical significance of this variant remains unclear.

NM_001903.5(CTNNA1):c.1060A>G (p.Asn354Asp)

Gene: CTNNA1 (catenin alpha 1; plus strand). Cytogenetic location: 5q31.2.
Variant type: single nucleotide variant.
Coding change: c.1060A>G on transcript NM_001903.5 (MANE Select); coding-DNA position 1060, A replaced by G.
Protein change: p.Asn354Asp; replaces asparagine 354 with aspartic acid.
Molecular consequence: missense variant.
Genome position (GRCh38, 1-based): chr5:138,827,716, A>G. VCF-style: chr5-138827716-A-G. GRCh37 (hg19) VCF-style: chr5-138163405-A-G.
Other names: c.1060A>G, p.Asn354Asp (NM_001290307.3, NM_001323982.2, NM_001323983.1 and 3 more transcripts); c.751A>G, p.Asn251Asp (NM_001290309.3); c.691A>G, p.Asn231Asp (NM_001290310.3); c.1060A>G (NM_001903.2); short protein forms N251D, N231D, N354D.
Identifiers: ClinVar variation 1504714 (VCV001504714.7), dbSNP rs2149786122, ClinGen allele CA361131344.
Genomic context (GRCh38, chr5:138,827,716, plus strand): 5'-GTGGCAGAGTGTAATGCTGTCCGCCAGGCCCTGCAGGACCTGCTTTCGGAGTACATGGGC[A>G]ATGTGAGTTTGACAGCTTTTCTTTGAAGTAAGATATTTATGGATGAGGAGTTTTCTATAA-3'
Protein context (NP_001894.2, residues 344-364): LQDLLSEYMG[Asn354Asp]AGRKERSDAL